The following is an entry in ClinVar:

NM_001166108.2(PALLD):c.1082T>C (p.Ile361Thr)

Gene: PALLD (palladin, cytoskeletal associated protein; plus strand). Cytogenetic location: 4q32.3.
Variant type: single nucleotide variant.
Coding change: c.1082T>C on transcript NM_001166108.2 (MANE Select); coding-DNA position 1082, T replaced by C.
Protein change: p.Ile361Thr; replaces isoleucine 361 with threonine.
Molecular consequence: missense variant. On other transcripts: 5 prime UTR variant (1).
Genome position (GRCh38, 1-based): chr4:168,668,363, T>C. VCF-style: chr4-168668363-T-C. GRCh37 (hg19) VCF-style: chr4-169589514-T-C.
Other names: c.-65T>C (NM_001166109.2); c.1082T>C, p.Ile361Thr (NM_016081.4); short protein forms I361T.
Identifiers: ClinVar variation 1786836 (VCV001786836.3), dbSNP rs139046918, ClinGen allele CA3135503.

ClinVar aggregate classification (germline): Uncertain significance (1 of 4 stars; one submission).

Allele frequency attached by ClinVar (database versions not stated): gnomAD exomes below 0.00001; ExAC 0.00001; gnomAD 0.00004; TOPMed 0.00006; ESP Exome Variant Server 0.00008.
gnomAD v4.1: 9 of 1,602,086 alleles (0.00056%); highest among the groups gnomAD compares: African/African-American, 0.012%; no homozygotes.

Submission:

Ambry Genetics
Classification: Uncertain significance. Last evaluated: 2023-08-29. Review status: criteria provided, single submitter. Criteria: Ambry Variant Classification Scheme 2023. Collection method: clinical testing. Allele origin: germline.
Comment: The p.I361T variant (also known as c.1082T>C), located in coding exon 2 of the PALLD gene, results from a T to C substitution at nucleotide position 1082. The isoleucine at codon 361 is replaced by threonine, an amino acid with similar properties. This amino acid position is conserved. In addition, this alteration is predicted to be deleterious by in silico analysis. Since supporting evidence is limited at this time, the clinical significance of this alteration remains unclear.